The following is an entry in ClinVar:

NM_003467.3(CXCR4):c.16-636C>T

Gene: CXCR4 (C-X-C motif chemokine receptor 4; minus strand). Cytogenetic location: 2q22.1.
Variant type: single nucleotide variant.
Coding change: c.16-636C>T on transcript NM_003467.3 (MANE Select); 636 bases into the intron before coding-DNA position 16, C replaced by T.
Molecular consequence: intron variant. On other transcripts: synonymous variant (1).
Genome position (GRCh38, 1-based): chr2:136,116,548, G>A on the plus strand (C>T on the coding strand, the complement: CXCR4 is on the minus strand). VCF-style: chr2-136116548-G-A. GRCh37 (hg19) VCF-style: chr2-136874118-G-A.
Other names: c.156C>T, p.Pro52= (NM_001348056.2); c.114+42C>T (NM_001348059.2); c.-30-636C>T (NM_001348060.2).
Identifiers: ClinVar variation 3058994 (VCV003058994.2), dbSNP rs17848056, ClinGen allele CA56886705.
Genomic context (GRCh38, chr2:136,116,548, plus strand): 5'-CAAGCAACTTGTAGTGGGTAAAGAGAATGCGGTCTTAAAACGAAGGCCCTTCGGTGCTTG[G>A]GGTATATTGGGCGGGAGTGTCAGAAAATGAACAAACGGCACCTCCTCCCCCAAGCGGGCG-3'

ClinVar aggregate classification (germline): Benign (0 of 4 stars; one submission).

Conditions:
CXCR4-related disorder. Also called: CXCR4-related condition.

Allele frequency attached by ClinVar (database versions not stated): gnomAD 0.04695; TOPMed 0.05418; 1000 Genomes Project 0.06010; 1000 Genomes Project 30x 0.06309.
gnomAD v4.1: 7,081 of 152,180 alleles (4.7%); highest among the groups gnomAD compares: African/African-American, 16%; 512 homozygotes.

Submission:

PreventionGenetics, part of Exact Sciences
Classification: Benign for CXCR4-related condition. Last evaluated: 2019-05-01. Review status: no assertion criteria provided. Collection method: clinical testing. Allele origin: germline.
Comment: This variant is classified as benign based on ACMG/AMP sequence variant interpretation guidelines (Richards et al. 2015 PMID: 25741868, with internal and published modifications).